The following is an entry in ClinVar:

NM_005993.5(TBCD):c.1618G>A (p.Gly540Ser)

Gene: TBCD (tubulin folding cofactor D). Cytogenetic location: 17q25.3.
Variant type: single nucleotide variant.
Coding change: c.1618G>A on transcript NM_005993.5 (MANE Select); coding-DNA position 1618, G replaced by A.
Protein change: p.Gly540Ser; replaces glycine 540 with serine.
Molecular consequence: missense variant.
Genome position (GRCh38, 1-based): chr17:82,893,601, G>A. VCF-style: chr17-82893601-G-A. GRCh37 (hg19) VCF-style: chr17-80851477-G-A.
Other names: c.1618G>A (NM_005993.4); c.1567G>A, p.Gly523Ser (NM_001411101.1); c.1618G>A, p.Gly540Ser (NM_001411102.1); short protein forms G523S, G540S.
Identifiers: ClinVar variation 3710327 (VCV003710327.3).
Genomic context (GRCh38, chr17:82,893,601, plus strand): 5'-TATTAGGGCACTTTCCCTCATGGTATTGATATTTTGACCACAGCTGACTATTTTGCCGTC[G>A]GTAACAGATCCAACTGTTTCCTGGTTATAAGGTAAGTCTTTAATGTATATCACAAAAATA-3'
Protein context (NP_005984.3, residues 530-550): ILTTADYFAV[Gly540Ser]NRSNCFLVIS

ClinVar aggregate classification (germline): Uncertain significance. Review status: criteria provided, multiple submitters, no conflicts (2 of 4 stars). 3 submissions from 3 submitters: Uncertain significance (3). Last evaluated 2026-06-03.

gnomAD v4.1: 69 of 1,611,102 alleles (0.0043%); highest among the groups gnomAD compares: Middle Eastern, 0.18%; 1 homozygote.

Submissions (3):

Women's Health and Genetics/Laboratory Corporation of America, LabCorp
Classification: Uncertain significance. Last evaluated: 2026-06-03. Review status: criteria provided, single submitter. Criteria: LabCorp Variant Classification Summary - May 2015. Collection method: clinical testing. Allele origin: germline.
Comment: Variant summary: TBCD c.1618G>A (p.Gly540Ser) results in a non-conservative amino acid change in the encoded protein sequence. Algorithms developed to predict the effect of missense changes on protein structure and function are either unavailable or do not agree on the potential impact of this missense change. The variant allele was found at a frequency of 2e-05 in 244642 control chromosomes. The available data on variant occurrences in the general population are insufficient to allow any conclusion about variant significance. To our knowledge, no occurrence of c.1618G>A in individuals affected with TBCD-related conditions and no experimental evidence demonstrating its impact on protein function have been reported. ClinVar contains an entry for this variant (Variation ID: 3710327). Based on the evidence outlined above, the variant was classified as uncertain significance.

Labcorp Genetics (formerly Invitae), Labcorp
Classification: Uncertain significance. Last evaluated: 2024-11-12. Review status: criteria provided, single submitter. Criteria: Invitae Variant Classification Sherloc (09022015). Collection method: clinical testing. Allele origin: germline.
Comment: This sequence change replaces glycine, which is neutral and non-polar, with serine, which is neutral and polar, at codon 540 of the TBCD protein (p.Gly540Ser). The frequency data for this variant in the population databases is considered unreliable, as metrics indicate poor data quality at this position in the gnomAD database. This variant has not been reported in the literature in individuals affected with TBCD-related conditions. Invitae Evidence Modeling of protein sequence and biophysical properties (such as structural, functional, and spatial information, amino acid conservation, physicochemical variation, residue mobility, and thermodynamic stability) has been performed for this missense variant. However, the output from this modeling did not meet the statistical confidence thresholds required to predict the impact of this variant on TBCD protein function. In summary, the available evidence is currently insufficient to determine the role of this variant in disease. Therefore, it has been classified as a Variant of Uncertain Significance.

GeneDx
Classification: Uncertain significance. Last evaluated: 2024-08-30. Review status: criteria provided, single submitter. Criteria: GeneDx Variant Classification Process June 2021. Collection method: clinical testing. Allele origin: germline. Affected: yes.
Comment: In silico analysis supports that this missense variant has a deleterious effect on protein structure/function; Has not been previously published as pathogenic or benign to our knowledge